The following is an entry in ClinVar:

NM_000717.5(CA4):c.90G>C (p.Glu30Asp)

Gene: CA4 (carbonic anhydrase 4; plus strand). Cytogenetic location: 17q23.1.
Variant type: single nucleotide variant.
Coding change: c.90G>C on transcript NM_000717.5 (MANE Select); coding-DNA position 90, G replaced by C.
Protein change: p.Glu30Asp; replaces glutamic acid 30 with aspartic acid.
Molecular consequence: missense variant. On other transcripts: non-coding transcript variant (1).
Genome position (GRCh38, 1-based): chr17:60,155,345, G>C. VCF-style: chr17-60155345-G-C. GRCh37 (hg19) VCF-style: chr17-58232706-G-C.
Other names: short protein forms E30D.
Identifiers: ClinVar variation 618549 (VCV000618549.14), dbSNP rs376842199, ClinGen allele CA8685212.

ClinVar aggregate classification (germline): Uncertain significance. Review status: criteria provided, multiple submitters, no conflicts (2 of 4 stars). 4 submissions from 4 submitters: Uncertain significance (4). Last evaluated 2025-01-13.

Allele frequency attached by ClinVar (database versions not stated): gnomAD exomes below 0.00001 and 0.00001; TOPMed below 0.00001; gnomAD 0.00001; ExAC 0.00003; ESP Exome Variant Server 0.00008.
gnomAD v4.1: 12 of 1,611,224 alleles (0.00074%); highest among the groups gnomAD compares: East Asian, 0.0022%; no homozygotes.

Submissions (4):

Labcorp Genetics (formerly Invitae), Labcorp
Classification: Uncertain significance. Last evaluated: 2025-01-13. Review status: criteria provided, single submitter. Criteria: Invitae Variant Classification Sherloc (09022015). Collection method: clinical testing. Allele origin: germline.
Comment: This sequence change replaces glutamic acid, which is acidic and polar, with aspartic acid, which is acidic and polar, at codon 30 of the CA4 protein (p.Glu30Asp). This variant is present in population databases (rs376842199, gnomAD 0.01%). This variant has not been reported in the literature in individuals affected with CA4-related conditions. ClinVar contains an entry for this variant (Variation ID: 618549). Invitae Evidence Modeling of protein sequence and biophysical properties (such as structural, functional, and spatial information, amino acid conservation, physicochemical variation, residue mobility, and thermodynamic stability) indicates that this missense variant is not expected to disrupt CA4 protein function with a negative predictive value of 80%. In summary, the available evidence is currently insufficient to determine the role of this variant in disease. Therefore, it has been classified as a Variant of Uncertain Significance.

Ambry Genetics
Classification: Uncertain significance. Last evaluated: 2024-04-29. Review status: criteria provided, single submitter. Criteria: Ambry Variant Classification Scheme 2023. Collection method: clinical testing. Allele origin: germline.

Blueprint Genetics
Classification: Uncertain significance. Last evaluated: 2022-10-07. Review status: criteria provided, single submitter. Criteria: ACMG Guidelines, 2015. Collection method: clinical testing. Allele origin: germline.

ARUP Laboratories, Molecular Genetics and Genomics, ARUP Laboratories
Classification: Uncertain significance. Last evaluated: 2018-06-04. Review status: criteria provided, single submitter. Criteria: ARUP Molecular Germline Variant Investigation Process. Collection method: clinical testing. Allele origin: germline.
Comment: The CA4 c.90G>C; p.Glu30Asp variant (rs376842199), to our knowledge, is not reported in the medical literature or in gene-specific databases. The variant is reported in the Genome Aggregation Database in 4 out of 272,246 alleles, indicating it is not a common polymorphism. The glutamine at codon 30 is weakly conserved across species and computational algorithms (PolyPhen-2, SIFT) predict this variant is tolerated. Considering available information, the clinical significance of this variant cannot be determined with certainty. Pathogenic CA4 variants are causative for autosomal dominant retinitis pigmentosa (MIM: 600852).